The following is an entry in ClinVar:

ClinVar aggregate classification (germline): Likely pathogenic (1 of 4 stars; one submission).

Conditions:
Coffin-Siris syndrome 1 (CSS1). Also called: ARID1B-Related Coffin-Siris Syndrome; Mental retardation, autosomal dominant 12. Identifiers: Orphanet 1465, MedGen C3281201, MONDO:0007617, OMIM 135900. Disease mechanism: gain of function.

Submission:

3billion
Classification: Likely pathogenic for Coffin-Siris syndrome 1. Last evaluated: 2023-02-23. Review status: criteria provided, single submitter. Criteria: ACMG Guidelines, 2015. Collection method: clinical testing. Allele origin: unknown. Affected: yes.
Comment: The variant is not observed in the gnomAD v2.1.1 dataset. This variant was predicted to result in a loss or disruption of normal protein function through protein truncation. Multiple pathogenic variants are reported in the predicted truncated region. Therefore, this variant is classified as Likely pathogenic according to the recommendation of ACMG/AMP guideline.

NM_001374828.1(ARID1B):c.5719_5722del (p.Phe1907fs)

Gene: ARID1B (AT-rich interaction domain 1B; plus strand). Cytogenetic location: 6q25.3.
Variant type: Deletion.
Coding change: c.5719_5722del on transcript NM_001374828.1 (MANE Select); coding-DNA positions 5719 to 5722, 4 bases deleted (TTCG; older notation c.5719_5722delTTCG).
Protein change: p.Phe1907fs; shifts the reading frame from phenylalanine 1907.
Molecular consequence: frameshift variant.
Genome position (GRCh38, 1-based): chr6:157,206,491-157,206,494, TTCG deleted; deleting any 4 consecutive bases within chr6:157,206,490-157,206,494 gives the same sequence; the c. name uses the placement nearest the transcript's 3' end. VCF-style (leftmost placement, unchanged base first): chr6-157206489-AGTTC-A. GRCh37 (hg19) VCF-style: chr6-157527623-AGTTC-A.
Other names: c.5470_5473delTTCG, p.Phe1824Thrfs (NM_001346813.1); c.3220_3223del, p.Phe1074fs (NM_001363725.2); c.5599_5602del, p.Phe1867fs (NM_001371656.1, NM_001374820.1); c.5560_5563del, p.Phe1854fs (NM_017519.3); c.5350_5353delTTCG, p.Phe1784Thrfs (NM_020732.3); c.5137_5140delTTCG, p.Phe1713Thrfs (NM_175863.2); short protein forms F1074fs, F1854fs, F1867fs, F1907fs.
Identifiers: ClinVar variation 2444268 (VCV002444268.1), dbSNP rs2538762702, ClinGen allele CA2580075264.
Genomic context (GRCh38, chr6:157,206,489, plus strand): 5'-TCGCTCTGACTGCCCCGGACGCCGCTGCAGACCCAAAGGAGAAGCCCAAGCAAGCCAGTA[AGTTC>A]GACAAGCTGCCAATAAAGATAGTCAAAAAGAACAACCTGTTTGTTGTTGACCGATCTGAC-3'